The following is an entry in ClinVar:

ClinVar aggregate classification (germline): Benign (1 of 4 stars; one submission).

Allele frequency attached by ClinVar (database versions not stated): gnomAD 0.02540; gnomAD exomes 0.02579; TOPMed 0.03874; 1000 Genomes Project 0.05032; 1000 Genomes Project 30x 0.05075.
gnomAD v4.1: 17,524 of 687,888 alleles (2.5%); highest among the groups gnomAD compares: Admixed American, 24%; 1,940 homozygotes.

Submission:

Unidad de Genómica Garrahan, Hospital de Pediatría Garrahan
Classification: Benign. Last evaluated: 2024-07-15. Review status: criteria provided, single submitter. Criteria: ACMG Guidelines, 2015. Collection method: clinical testing. Allele origin: germline. Affected: no. Observed: 31 variant alleles.
Comment: This variant is classified as Benign based on local population frequency. This variant was detected in 33% of patients studied in a panel designed for Epileptic and Developmental Encephalopathy and Progressive Myoclonus Epilepsy. Number of patients: 31. Only high quality variants are reported.

NM_016373.4(WWOX):c.1056+258616A>G

Gene: WWOX (WW domain containing oxidoreductase; plus strand). Cytogenetic location: 16q23.1.
Variant type: single nucleotide variant.
Coding change: c.1056+258616A>G on transcript NM_016373.4 (MANE Select); 258616 bases into the intron after coding-DNA position 1056, A replaced by G.
Molecular consequence: intron variant.
Genome position (GRCh38, 1-based): chr16:78,691,368, A>G. VCF-style: chr16-78691368-A-G. GRCh37 (hg19) VCF-style: chr16-78725265-A-G.
Other names: c.717+258616A>G (NM_001291997.2).
Identifiers: ClinVar variation 3255291 (VCV003255291.2), dbSNP rs17795379.
Genomic context (GRCh38, chr16:78,691,368, plus strand): 5'-GTAAAAGATTTACAATTATTTCATTTTCAACATAGCTTTATCTTATGACAAAGGTGACAG[A>G]AAGGAAATCTCCTAAGTTGGCCTACAGGGTGCTTTAGAAAACATCTGGCTGGGCATGGTG-3'